The following is an entry in ClinVar:

NM_003872.3(NRP2):c.559A>G (p.Ile187Val)

Gene: NRP2 (neuropilin 2; plus strand). Cytogenetic location: 2q33.3.
Variant type: single nucleotide variant.
Coding change: c.559A>G on transcript NM_003872.3 (MANE Select); coding-DNA position 559, A replaced by G.
Protein change: p.Ile187Val; replaces isoleucine 187 with valine.
Molecular consequence: missense variant.
Genome position (GRCh38, 1-based): chr2:205,722,603, A>G. VCF-style: chr2-205722603-A-G. GRCh37 (hg19) VCF-style: chr2-206587327-A-G.
Other names: c.559A>G, p.Ile187Val (NM_018534.4, NM_201264.2, NM_201266.2 and 2 more transcripts); short protein forms I187V.
Identifiers: ClinVar variation 721609 (VCV000721609.6), dbSNP rs150011205, ClinGen allele CA2068847.

ClinVar aggregate classification (germline): Likely benign. Review status: criteria provided, single submitter (1 of 4 stars). 2 submissions from 2 submitters: Likely benign (1). 1 of the submissions does not count toward it. Last evaluated 2019-12-31.

Conditions:
NRP2-related disorder. Also called: NRP2-related condition.

Allele frequency attached by ClinVar (database versions not stated): gnomAD exomes 0.00016 and 0.00037; gnomAD 0.00130 and 0.00142; 1000 Genomes Project 0.00200; 1000 Genomes Project 30x 0.00203; TOPMed 0.00161; ExAC 0.00044; ESP Exome Variant Server 0.00161.
gnomAD v4.1: 423 of 1,614,184 alleles (0.026%); highest among the groups gnomAD compares: African/African-American, 0.52%; 1 homozygote.

Submissions (2):

Labcorp Genetics (formerly Invitae), Labcorp
Classification: Likely benign. Last evaluated: 2019-12-31. Review status: criteria provided, single submitter. Criteria: Invitae Variant Classification Sherloc (09022015). Collection method: clinical testing. Allele origin: germline.

PreventionGenetics, part of Exact Sciences
Classification: Likely benign for NRP2-related condition. Last evaluated: 2021-07-23. Review status: no assertion criteria provided. Collection method: clinical testing. Allele origin: germline. Not counted in ClinVar's aggregate classification.
Comment: This variant is classified as likely benign based on ACMG/AMP sequence variant interpretation guidelines (Richards et al. 2015 PMID: 25741868, with internal and published modifications).